The following is an entry in ClinVar:

ClinVar aggregate classification (germline): Uncertain significance. Review status: criteria provided, multiple submitters, no conflicts (2 of 4 stars). 4 submissions from 4 submitters: Uncertain significance (4). Last evaluated 2025-10-24.

Conditions:
Ehlers-Danlos syndrome, type 4 (EDSVASC). Also called: Ehlers-Danlos syndrome vascular type; Ehlers Danlos syndrome, ecchymotic type; Ehlers Danlos syndrome, arterial type; Ehlers Danlos syndrome, Sack-Barabas type; Ehlers-Danlos Syndrome Type IV. Identifiers: Orphanet 286, MedGen C0268338, MONDO:0017314, OMIM 130050.
Familial thoracic aortic aneurysm and aortic dissection (TAAD). Also called: Thoracic aortic aneurysms and dissections. Identifiers: Orphanet 91387, MedGen C4707243, MONDO:0019625.

Allele frequency attached by ClinVar (database versions not stated): ExAC 0.00001; gnomAD 0.00001; gnomAD exomes 0.00001; TOPMed 0.00001.
gnomAD v4.1: 20 of 1,613,962 alleles (0.0012%); highest among the groups gnomAD compares: South Asian, 0.0033%; no homozygotes.

Submissions (4):

Ambry Genetics
Classification: Uncertain significance for Familial thoracic aortic aneurysm and aortic dissection. Last evaluated: 2025-10-24. Review status: criteria provided, single submitter. Criteria: Ambry Variant Classification Scheme 2023. Collection method: clinical testing. Allele origin: germline.
Comment: The p.V5E variant (also known as c.14T>A), located in coding exon 1 of the COL3A1 gene, results from a T to A substitution at nucleotide position 14. The valine at codon 5 is replaced by glutamic acid, an amino acid with dissimilar properties. This amino acid position is highly conserved in available vertebrate species. In addition, this alteration is predicted to be deleterious by in silico analysis. Based on data from gnomAD, the frequency for this variant is above the maximum credible frequency for a disease-causing variant in this gene based on internally established thresholds (Karczewski et al. Nature. 2020 May;581(7809):434-443; Whiffin et al. Genet Med. 2017 10;19:1151-1158). Based on the available evidence, the clinical significance of this variant remains unclear.

All of Us Research Program, National Institutes of Health
Classification: Uncertain significance for Ehlers-Danlos syndrome, type 4. Last evaluated: 2024-07-10. Review status: criteria provided, single submitter. Criteria: ACMG Guidelines, 2015. Collection method: clinical testing. Allele origin: germline. Inheritance: Autosomal dominant inheritance. Observed: 3 variant alleles, 3 heterozygotes.
Comment: This missense variant replaces valine with glutamic acid at codon 5 of the COL3A1 protein. Computational prediction is inconclusive regarding the impact of this variant on protein structure and function (internally defined REVEL score threshold 0.5 < inconclusive < 0.7, PMID: 27666373). To our knowledge, functional studies have not been reported for this variant. This variant has not been reported in individuals affected with COL3A1-related disorders in the literature. This variant has been identified in 3/251380 chromosomes in the general population by the Genome Aggregation Database (gnomAD). The available evidence is insufficient to determine the role of this variant in disease conclusively. Therefore, this variant is classified as a Variant of Uncertain Significance.

This study involves interpretation of variants in research participants for the purpose of population health screening. Participant phenotype was not available at the time of variant classification. Additional details can be found in publication PMID: 35346344, PMCID: PMC8962531

Labcorp Genetics (formerly Invitae), Labcorp
Classification: Uncertain significance for Ehlers-Danlos syndrome, type 4. Last evaluated: 2023-10-11. Review status: criteria provided, single submitter. Criteria: Invitae Variant Classification Sherloc (09022015). Collection method: clinical testing. Allele origin: germline.
Comment: This sequence change replaces valine, which is neutral and non-polar, with glutamic acid, which is acidic and polar, at codon 5 of the COL3A1 protein (p.Val5Glu). This variant is present in population databases (rs751315184, gnomAD 0.01%). This variant has not been reported in the literature in individuals affected with COL3A1-related conditions. ClinVar contains an entry for this variant (Variation ID: 1400615). Advanced modeling of protein sequence and biophysical properties (such as structural, functional, and spatial information, amino acid conservation, physicochemical variation, residue mobility, and thermodynamic stability) performed at Invitae indicates that this missense variant is not expected to disrupt COL3A1 protein function. In summary, the available evidence is currently insufficient to determine the role of this variant in disease. Therefore, it has been classified as a Variant of Uncertain Significance.

CeGaT Center for Human Genetics Tuebingen
Classification: Uncertain significance. Last evaluated: 2023-08-01. Review status: criteria provided, single submitter. Criteria: CeGaT Center For Human Genetics Tuebingen Variant Classification Criteria Version 2. Collection method: clinical testing. Allele origin: germline. Affected: yes. Observed: 1 variant allele.
Comment: COL3A1: PM2

NM_000090.4(COL3A1):c.14T>A (p.Val5Glu)

Gene: COL3A1 (collagen type III alpha 1 chain; plus strand). Cytogenetic location: 2q32.2.
Variant type: single nucleotide variant.
Coding change: c.14T>A on transcript NM_000090.4 (MANE Select); coding-DNA position 14, T replaced by A.
Protein change: p.Val5Glu; replaces valine 5 with glutamic acid.
Molecular consequence: missense variant.
Genome position (GRCh38, 1-based): chr2:188,974,503, T>A. VCF-style: chr2-188974503-T-A. GRCh37 (hg19) VCF-style: chr2-189839229-T-A.
Other names: c.14T>A (NM_000090.3); short protein forms V5E.
Identifiers: ClinVar variation 1400615 (VCV001400615.34), dbSNP rs751315184, ClinGen allele CA074376.